The following is an entry in ClinVar:

ClinVar aggregate classification (germline): Likely benign (1 of 4 stars; one submission).

Submission:

GeneDx
Classification: Likely benign. Last evaluated: 2018-06-14. Review status: criteria provided, single submitter. Criteria: GeneDx Variant Classification (06012015). Collection method: clinical testing. Allele origin: germline. Affected: yes.
Comment: This variant is considered likely benign or benign based on one or more of the following criteria: it is a conservative change, it occurs at a poorly conserved position in the protein, it is predicted to be benign by multiple in silico algorithms, and/or has population frequency not consistent with disease.

NM_001105206.3(LAMA4):c.2813+206del

Genes: LAMA4 (laminin subunit alpha 4; minus strand), LOC126859766 (MED14-independent group 3 enhancer GRCh37_chr6:112462018-112463217; plus strand). Cytogenetic location: 6q21.
Variant type: Deletion.
Coding change: c.2813+206del on transcript NM_001105206.3 (MANE Select); 206 bases into the intron after coding-DNA position 2813, one base deleted (A; older notation c.2813+206delA).
Molecular consequence: intron variant.
Genome position (GRCh38, 1-based): chr6:112,141,152, T deleted on the plus strand (A on the coding strand, the reverse complement: LAMA4 is on the minus strand); the first of 10 consecutive T bases (chr6:112,141,152-112,141,161); deleting any one gives the same sequence. VCF-style (leftmost placement, unchanged base first): chr6-112141151-CT-C. GRCh37 (hg19) VCF-style: chr6-112462353-CT-C.
Other names: c.2792+206del (NM_002290.5, NM_001105207.3).
Identifiers: ClinVar variation 675751 (VCV000675751.1), dbSNP rs144560300, ClinGen allele CA144894658.